The following is an entry in ClinVar:

ClinVar aggregate classification (germline): Uncertain significance (1 of 4 stars; one submission).

Allele frequency attached by ClinVar (database versions not stated): TOPMed 0.00003.

Submission:

Labcorp Genetics (formerly Invitae), Labcorp
Classification: Uncertain significance. Last evaluated: 2022-02-02. Review status: criteria provided, single submitter. Criteria: Invitae Variant Classification Sherloc (09022015). Collection method: clinical testing. Allele origin: germline.
Comment: This variant is not present in population databases (gnomAD no frequency). In summary, the available evidence is currently insufficient to determine the role of this variant in disease. Therefore, it has been classified as a Variant of Uncertain Significance. Algorithms developed to predict the effect of missense changes on protein structure and function output the following: SIFT: "Deleterious"; PolyPhen-2: "Probably Damaging"; Align-GVGD: "Class C0". The methionine amino acid residue is found in multiple mammalian species, which suggests that this missense change does not adversely affect protein function. This variant has not been reported in the literature in individuals affected with PITPNM3-related conditions. This sequence change replaces leucine, which is neutral and non-polar, with methionine, which is neutral and non-polar, at codon 468 of the PITPNM3 protein (p.Leu468Met).

NM_031220.4(PITPNM3):c.1402C>A (p.Leu468Met)

Gene: PITPNM3 (PITPNM family member 3; minus strand). Cytogenetic location: 17p13.2.
Variant type: single nucleotide variant.
Coding change: c.1402C>A on transcript NM_031220.4 (MANE Select); coding-DNA position 1402, C replaced by A.
Protein change: p.Leu468Met; replaces leucine 468 with methionine.
Molecular consequence: missense variant.
Genome position (GRCh38, 1-based): chr17:6,472,684, G>T on the plus strand (C>A on the coding strand, the complement: PITPNM3 is on the minus strand). VCF-style: chr17-6472684-G-T. GRCh37 (hg19) VCF-style: chr17-6376004-G-T.
Other names: c.1294C>A, p.Leu432Met (NM_001165966.2); short protein forms L432M, L468M.
Identifiers: ClinVar variation 1490437 (VCV001490437.8), dbSNP rs1452878299, ClinGen allele CA397405970.
Genomic context (GRCh38, chr17:6,472,684, plus strand): 5'-TCAGCACACTCTCTCCCACCCCCAAGAACCTACCGAGGAGGAGGGACTGCCCATCGCCCA[G>T]TGGGAACCTCTGGTAGCGAGGCACGCTGACAGGCGGCACCAGGTGGAACTTGGGCTCCAG-3'
Protein context (NP_112497.2, residues 458-478): VSVPRYQRFP[Leu468Met]GDGQSLLLAD